The following is an entry in ClinVar:

NM_000878.5(IL2RB):c.819-98C>T

Gene: IL2RB (interleukin 2 receptor subunit beta; minus strand). Cytogenetic location: 22q12.3.
Variant type: single nucleotide variant.
Coding change: c.819-98C>T on transcript NM_000878.5 (MANE Select); 98 bases into the intron before coding-DNA position 819, C replaced by T.
Molecular consequence: intron variant.
Genome position (GRCh38, 1-based): chr22:37,132,566, G>A on the plus strand (C>T on the coding strand, the complement: IL2RB is on the minus strand). VCF-style: chr22-37132566-G-A. GRCh37 (hg19) VCF-style: chr22-37528606-G-A.
Other names: c.819-98C>T (NM_001346222.1, NM_001346223.2).
Identifiers: ClinVar variation 2688434 (VCV002688434.2), dbSNP rs2072862, ClinGen allele CA14940308.

ClinVar aggregate classification (germline): Benign (1 of 4 stars; one submission).

Allele frequency attached by ClinVar (database versions not stated): gnomAD 0.30205; gnomAD exomes 0.32761; 1000 Genomes Project 30x 0.34557; 1000 Genomes Project 0.35623; TOPMed 0.29567.
gnomAD v4.1: 256,064 of 793,432 alleles (32%); highest among the groups gnomAD compares: East Asian, 61%; 44,063 homozygotes.

Submission:

Unidad de Genómica Garrahan, Hospital de Pediatría Garrahan
Classification: Benign. Last evaluated: 2024-01-24. Review status: criteria provided, single submitter. Criteria: ACMG Guidelines, 2015. Collection method: clinical testing. Allele origin: germline. Affected: no. Observed: 37 variant alleles.
Comment: This variant is classified as Benign based on local population frequency. This variant was detected in 42% of patients studied by a panel of primary immunodeficiencies. Number of patients: 37. Only high quality variants are reported.